The following is an entry in ClinVar:

ClinVar aggregate classification (germline): Likely benign (1 of 4 stars; one submission).

gnomAD v4.1: 83 of 1,583,560 alleles (0.0052%); highest among the groups gnomAD compares: African/African-American, 0.1%; no homozygotes.

Submission:

CeGaT Center for Human Genetics Tuebingen
Classification: Likely benign. Last evaluated: 2025-04-01. Review status: criteria provided, single submitter. Criteria: CeGaT Center For Human Genetics Tuebingen Variant Classification Criteria Version 2. Collection method: clinical testing. Allele origin: germline. Affected: yes. Observed: 1 variant allele.
Comment: GIGYF2: BP4

NM_001103146.3(GIGYF2):c.345G>A (p.Gly115=)

Gene: GIGYF2 (GRB10 interacting GYF protein 2; plus strand). Cytogenetic location: 2q37.1.
Variant type: single nucleotide variant.
Coding change: c.345G>A on transcript NM_001103146.3 (MANE Select); coding-DNA position 345, G replaced by A.
Protein change: p.Gly115=; no amino-acid change (glycine 115 retained).
Molecular consequence: synonymous variant. On other transcripts: non-coding transcript variant (1).
Genome position (GRCh38, 1-based): chr2:232,756,300, G>A. VCF-style: chr2-232756300-G-A. GRCh37 (hg19) VCF-style: chr2-233621010-G-A.
Other names: c.345G>A, p.Gly115= (NM_001103147.2, NM_001103148.2, NM_015575.4).
Identifiers: ClinVar variation 3898387 (VCV003898387.7).